The following is an entry in ClinVar:

ClinVar aggregate classification (germline): Uncertain significance. Review status: criteria provided, multiple submitters, no conflicts (2 of 4 stars). 2 submissions from 2 submitters: Uncertain significance (2). Last evaluated 2021-10-28.

Conditions:
Catecholaminergic polymorphic ventricular tachycardia 1. Also called: VENTRICULAR TACHYCARDIA, CATECHOLAMINERGIC POLYMORPHIC, 1, WITH OR WITHOUT ATRIAL DYSFUNCTION AND/OR DILATED CARDIOMYOPATHY; RYR2-Related Catecholaminergic Polymorphic Ventricular Tachycardia; VENTRICULAR TACHYCARDIA, STRESS-INDUCED POLYMORPHIC 1. Identifiers: Orphanet 3286, MedGen C1631597, MONDO:0011484, OMIM 604772.
Cardiomyopathy (CMYO). Also called: Cardiomyopathies. Identifiers: Orphanet 167848, MedGen C0878544, MONDO:0004994, HP:0001638. Inheritance: Various modes of inheritance.

Submissions (2):

Labcorp Genetics (formerly Invitae), Labcorp
Classification: Uncertain significance for Catecholaminergic polymorphic ventricular tachycardia 1. Last evaluated: 2021-10-28. Review status: criteria provided, single submitter. Criteria: Invitae Variant Classification Sherloc (09022015). Collection method: clinical testing. Allele origin: germline.
Comment: ClinVar contains an entry for this variant (Variation ID: 924415). This sequence change replaces leucine, which is neutral and non-polar, with phenylalanine, which is neutral and non-polar, at codon 4670 of the RYR2 protein (p.Leu4670Phe). This variant is not present in population databases (gnomAD no frequency). This missense change has been observed in individual(s) with catecholaminergic polymorphic ventricular tachycardia (PMID: 28237968). In summary, the available evidence is currently insufficient to determine the role of this variant in disease. Therefore, it has been classified as a Variant of Uncertain Significance. This variant disrupts the p.Leu4670 amino acid residue in RYR2. Other variant(s) that disrupt this residue have been observed in individuals with RYR2-related conditions (PMID: 22396703), which suggests that this may be a clinically significant amino acid residue. Advanced modeling of protein sequence and biophysical properties (such as structural, functional, and spatial information, amino acid conservation, physicochemical variation, residue mobility, and thermodynamic stability) performed at Invitae indicates that this missense variant is expected to disrupt RYR2 protein function.

Color Diagnostics, LLC DBA Color Health
Classification: Uncertain significance for Cardiomyopathy. Last evaluated: 2020-04-27. Review status: criteria provided, single submitter. Criteria: ACMG Guidelines, 2015. Collection method: clinical testing. Allele origin: germline.
Comment: This missense variant replaces leucine with phenylalanine at codon 4670 of the RYR2 protein. Computational prediction suggests that this variant may have deleterious impact on protein structure and function (internally defined REVEL score threshold >= 0.7, PMID: 27666373). To our knowledge, functional studies have not been reported for this variant. This variant has not been reported in individuals affected with cardiovascular disorders in the literature. This variant has not been identified in the general population by the Genome Aggregation Database (gnomAD). The available evidence is insufficient to determine the role of this variant in disease conclusively. Therefore, this variant is classified as a Variant of Uncertain Significance.

Literature cited by the submitters: PubMed 28237968 (cited by Labcorp Genetics (formerly Invitae), Labcorp); PubMed 22396703 (cited by Labcorp Genetics (formerly Invitae), Labcorp).

NM_001035.3(RYR2):c.14008C>T (p.Leu4670Phe)

Gene: RYR2 (ryanodine receptor 2; plus strand). Cytogenetic location: 1q43.
Variant type: single nucleotide variant.
Coding change: c.14008C>T on transcript NM_001035.3 (MANE Select); coding-DNA position 14008, C replaced by T.
Protein change: p.Leu4670Phe; replaces leucine 4670 with phenylalanine.
Molecular consequence: missense variant.
Genome position (GRCh38, 1-based): chr1:237,798,088, C>T. VCF-style: chr1-237798088-C-T. GRCh37 (hg19) VCF-style: chr1-237961388-C-T.
Other names: short protein forms L4670F.
Identifiers: ClinVar variation 924415 (VCV000924415.10), dbSNP rs775408548, ClinGen allele CA345419726.
Genomic context (GRCh38, chr1:237,798,088, plus strand): 5'-TACCCCAAGGTTATGGATAAATATGGAGAGTTCTACGGCCGAGACAGAATCAGTGAATTA[C>T]TTGGCATGGACAAGGCAGCTCTGGACTTCAGTGATGCCAGAGAAAAGAAGAAGCCAAAGA-3'
Protein context (NP_001026.2, residues 4660-4680): FYGRDRISEL[Leu4670Phe]GMDKAALDFS